The following is an entry in ClinVar:

ClinVar aggregate classification (germline): Uncertain significance (1 of 4 stars; one submission).

Conditions:
Aortic aneurysm, familial thoracic 4 (AAT4). Also called: AORTIC ANEURYSM/AORTIC DISSECTION AND PATENT DUCTUS ARTERIOSUS. Identifiers: MedGen C1851504, MONDO:0007568, OMIM 132900.

Submission:

Labcorp Genetics (formerly Invitae), Labcorp
Classification: Uncertain significance for Aortic aneurysm, familial thoracic 4. Last evaluated: 2017-01-20. Review status: criteria provided, single submitter. Criteria: Invitae Variant Classification Sherloc (09022015). Collection method: clinical testing. Allele origin: germline.
Comment: A gross duplication of the genomic region encompassing the full coding sequence of the MYH11 gene has been identified. The boundaries of this event are unknown as the duplication extends beyond the assayed region for this gene and therefore may encompass additional genes. As the precise location of this duplication is unknown, it may be in tandem or it may be located elsewhere in the genome. A recurrent duplication encompassing the 16p13.1 chromosomal region, which includes the MYH11 gene, has been reported in patients with aortic dissections (PMID: 21698135). In summary, this is a whole gene duplication with uncertain impact on protein function. It has been classified as a Variant of Uncertain Significance

NC_000016.9:g.(?_15796992)_(15932126_?)dup

Genes: MYH11 (myosin heavy chain 11; minus strand), NDE1 (nudE neurodevelopment protein 1; plus strand), LOC113939949 (Sharpr-MPRA regulatory region 5546; plus strand). Cytogenetic location: 16p13.11.
Variant type: Duplication.
Identifiers: ClinVar variation 417356 (VCV000417356.1).